The following is an entry in ClinVar:

ClinVar aggregate classification (germline): Uncertain significance (1 of 4 stars; one submission).

Submission:

Ambry Genetics
Classification: Uncertain significance. Last evaluated: 2024-10-14. Review status: criteria provided, single submitter. Criteria: Ambry Variant Classification Scheme 2023. Collection method: clinical testing. Allele origin: germline.
Comment: The p.V359M variant (also known as c.1075G>A), located in coding exon 2 of the PALLD gene, results from a G to A substitution at nucleotide position 1075. The valine at codon 359 is replaced by methionine, an amino acid with highly similar properties. This amino acid position is conserved. In addition, the in silico prediction for this alteration is inconclusive. Based on the available evidence, the clinical significance of this variant remains unclear.

NM_001166108.2(PALLD):c.1075G>A (p.Val359Met)

Gene: PALLD (palladin, cytoskeletal associated protein; plus strand). Cytogenetic location: 4q32.3.
Variant type: single nucleotide variant.
Coding change: c.1075G>A on transcript NM_001166108.2 (MANE Select); coding-DNA position 1075, G replaced by A.
Protein change: p.Val359Met; replaces valine 359 with methionine.
Molecular consequence: missense variant. On other transcripts: 5 prime UTR variant (1).
Genome position (GRCh38, 1-based): chr4:168,668,356, G>A. VCF-style: chr4-168668356-G-A. GRCh37 (hg19) VCF-style: chr4-169589507-G-A.
Other names: c.-72G>A (NM_001166109.2); c.1075G>A, p.Val359Met (NM_016081.4); short protein forms V359M.
Identifiers: ClinVar variation 3413642 (VCV003413642.1).